The following is an entry in ClinVar:

ClinVar aggregate classification (germline): Uncertain significance (1 of 4 stars; one submission).

Conditions:
Adenylosuccinate lyase deficiency (ADSLD). Also called: ADSL DEFICIENCY. Identifiers: Orphanet 46, MedGen C0268126, MONDO:0007068, OMIM 103050.

Allele frequency attached by ClinVar (database versions not stated): gnomAD exomes below 0.00001.
gnomAD v4.1: 1 of 1,614,112 alleles (0.000062%); highest among the groups gnomAD compares: South Asian, 0.0011%; no homozygotes.

Submission:

Labcorp Genetics (formerly Invitae), Labcorp
Classification: Uncertain significance for Adenylosuccinate lyase deficiency. Last evaluated: 2022-06-08. Review status: criteria provided, single submitter. Criteria: Invitae Variant Classification Sherloc (09022015). Collection method: clinical testing. Allele origin: germline.
Comment: In summary, the available evidence is currently insufficient to determine the role of this variant in disease. Therefore, it has been classified as a Variant of Uncertain Significance. Advanced modeling of protein sequence and biophysical properties (such as structural, functional, and spatial information, amino acid conservation, physicochemical variation, residue mobility, and thermodynamic stability) performed at Invitae indicates that this missense variant is not expected to disrupt ADSL protein function. This variant has not been reported in the literature in individuals affected with ADSL-related conditions. This variant is not present in population databases (gnomAD no frequency). This sequence change replaces valine, which is neutral and non-polar, with alanine, which is neutral and non-polar, at codon 429 of the ADSL protein (p.Val429Ala).

NM_000026.4(ADSL):c.1286T>C (p.Val429Ala)

Gene: ADSL (adenylosuccinate lyase; plus strand). Cytogenetic location: 22q13.1.
Variant type: single nucleotide variant.
Coding change: c.1286T>C on transcript NM_000026.4 (MANE Select); coding-DNA position 1286, T replaced by C.
Protein change: p.Val429Ala; replaces valine 429 with alanine.
Molecular consequence: missense variant. On other transcripts: non-coding transcript variant (1), intron variant (1).
Genome position (GRCh38, 1-based): chr22:40,364,974, T>C. VCF-style: chr22-40364974-T-C. GRCh37 (hg19) VCF-style: chr22-40760978-T-C.
Other names: c.1094T>C, p.Val365Ala (NM_001317923.2); c.1286T>C, p.Val429Ala (NM_001363840.3, NM_001410812.1); c.1241T>C, p.Val414Ala (NM_001410814.1); c.1191+609T>C (NM_001123378.3); short protein forms V365A, V414A, V429A.
Identifiers: ClinVar variation 2175224 (VCV002175224.4), dbSNP rs372051078, ClinGen allele CA324460759.
Genomic context (GRCh38, chr22:40,364,974, plus strand): 5'-AGGCAGCTTCTGTGGTTAAGCAGGAAGGGGGTGACAATGACCTCATAGAGCGTATCCAGG[T>C]TGATGCCTACTTCAGTCCCATTCACTCCCAGTTGGATCATTTACTGGATCCTTCTTCTTT-3'
Protein context (NP_000017.1, residues 419-439): GDNDLIERIQ[Val429Ala]DAYFSPIHSQ